The following continues an entry in ClinVar:

NM_001126108.2(SLC12A3):c.2954G>A (p.Cys985Tyr)

ClinVar aggregate classification (germline): Pathogenic. Pathogenic (15).

Submissions 10 to 16 of 16:

European Hospital Georges Pompidou Genetics Department, Assistance Publique - Hôpitaux de Paris AP-HP
Classification: Pathogenic for Familial hypokalemia-hypomagnesemia. Last evaluated: 2022-04-27. Review status: criteria provided, single submitter. Criteria: ACMG Guidelines, 2015. Collection method: clinical testing. Allele origin: germline. Affected: yes.
Comment: ACMG criteria used:PS4 PS3 PM1 PM2 PM3 PP3 PP5

Revvity Omics, Revvity
Classification: Pathogenic for Familial hypokalemia-hypomagnesemia. Last evaluated: 2021-08-30. Review status: criteria provided, single submitter. Criteria: ACMG Guidelines, 2015. Collection method: clinical testing. Allele origin: germline.

Genome-Nilou Lab
Classification: Pathogenic for Familial hypokalemia-hypomagnesemia. Last evaluated: 2021-07-15. Review status: criteria provided, single submitter. Criteria: ACMG Guidelines, 2015. Collection method: clinical testing. Allele origin: germline. Affected: no.

Fulgent Genetics
Classification: Pathogenic for Familial hypokalemia-hypomagnesemia. Last evaluated: 2021-06-30. Review status: criteria provided, single submitter. Criteria: ACMG Guidelines, 2015. Collection method: clinical testing. Allele origin: unknown.
Comment: This variant has been detected in individual(s) who were sent for testing of Renasight - kidney gene panel.

CeGaT Center for Human Genetics Tuebingen
Classification: Pathogenic. Last evaluated: 2020-12-01. Review status: criteria provided, single submitter. Criteria: CeGaT Center For Human Genetics Tuebingen Variant Classification Criteria Version 2. Collection method: clinical testing. Allele origin: germline. Affected: yes. Observed: 1 variant allele.

Athena Diagnostics
Classification: Pathogenic. Last evaluated: 2020-10-09. Review status: criteria provided, single submitter. Criteria: Athena Diagnostics criteria. Collection method: clinical testing. Allele origin: unknown.
Comment: The frequency of this variant in the general population is consistent with pathogenicity. This variant is statistically more frequent in affected individuals than in the general population and/or healthy controls. This variant is also referred to as Cys985Tyr in published literature. Assessment of experimental evidence suggests this variant results in abnormal protein function. This variant is shown to impair SLC12A3 protein trafficking to the plasma membrane (PMID 12039972). In multiple individuals, this variant has been seen with a single recessive pathogenic variant in the same gene, suggesting this variant may also be pathogenic.

Institute of Human Genetics, Clinical Exome/Genome Diagnostics Group, University Hospital Bonn
Classification: Uncertain significance for Familial hypokalemia-hypomagnesemia. Last evaluated: 2021-11-11. Review status: flagged submission. Criteria: ACMG Guidelines, 2015. Collection method: clinical testing. Allele origin: inherited. Affected: yes. Not counted in ClinVar's aggregate classification.
Comment: PS3_moderate, PS4_moderate
ClinVar note: Reason: Outlier claim with insufficient supporting evidence

Literature cited by the submitters: PubMed 12039972 (cited by 5 submitters); PubMed 12112667 (cited by 3 submitters); PubMed 21415153 (cited by 3 submitters); PubMed 22009145 (cited by 5 submitters); PubMed 23328711 (cited by Labcorp Genetics (formerly Invitae), Labcorp); PubMed 25422309 (cited by Labcorp Genetics (formerly Invitae), Labcorp); PubMed 29398133 (cited by 3 submitters); PubMed 17329572 (cited by Molecular Genetics, Royal Melbourne Hospital); PubMed 22990302 (cited by Athena Diagnostics); PubMed 17654016 (cited by Athena Diagnostics); PubMed 21753071 (cited by Athena Diagnostics).